The following is an entry in ClinVar:

NM_002894.3(RBBP8):c.2143+1G>C

Gene: RBBP8 (RB binding protein 8, endonuclease; plus strand). Cytogenetic location: 18q11.2.
Variant type: single nucleotide variant.
Coding change: c.2143+1G>C on transcript NM_002894.3 (MANE Select); the canonical splice donor site of the intron after coding-DNA position 2143, G replaced by C.
Molecular consequence: splice donor variant.
Genome position (GRCh38, 1-based): chr18:22,997,735, G>C. VCF-style: chr18-22997735-G-C. GRCh37 (hg19) VCF-style: chr18-20577698-G-C.
Other names: c.2143+1G>C (NM_203292.2, NM_203291.2).
Identifiers: ClinVar variation 1378765 (VCV001378765.6), dbSNP rs2144728353, ClinGen allele CA401781038.

ClinVar aggregate classification (germline): Uncertain significance (1 of 4 stars; one submission).

Submission:

Labcorp Genetics (formerly Invitae), Labcorp
Classification: Uncertain significance. Last evaluated: 2022-09-27. Review status: criteria provided, single submitter. Criteria: Invitae Variant Classification Sherloc (09022015). Collection method: clinical testing. Allele origin: germline.
Comment: In summary, the available evidence is currently insufficient to determine the role of this variant in disease. Therefore, it has been classified as a Variant of Uncertain Significance. Algorithms developed to predict the effect of sequence changes on RNA splicing suggest that this variant may disrupt the consensus splice site. ClinVar contains an entry for this variant (Variation ID: 1378765). This variant has not been reported in the literature in individuals affected with RBBP8-related conditions. This variant is not present in population databases (gnomAD no frequency). This sequence change affects a donor splice site in intron 14 of the RBBP8 gene. It is expected to disrupt RNA splicing. Variants that disrupt the donor or acceptor splice site typically lead to a loss of protein function (PMID: 16199547), however the current clinical and genetic evidence is not sufficient to establish whether loss-of-function variants in RBBP8 cause disease.

Literature cited by the submitters: PubMed 16199547.